The following is an entry in ClinVar:

ClinVar aggregate classification (germline): Uncertain significance (1 of 4 stars; one submission).

Conditions:
Generalized epilepsy with febrile seizures plus, type 7 (GEFSP7). Also called: GEFS+, TYPE 7. Identifiers: Orphanet 36387, MedGen C2751778, MONDO:0013470, OMIM 613863.
Neuropathy, hereditary sensory and autonomic, type 2A (HSAN2A). Also called: HSAN IIA; NEUROPATHY, CONGENITAL SENSORY; MORVAN DISEASE; NEUROPATHY, HEREDITARY SENSORY RADICULAR, AUTOSOMAL RECESSIVE; NEUROPATHY, HEREDITARY SENSORY, TYPE IIA; NEUROPATHY, PROGRESSIVE SENSORY, OF CHILDREN. Identifiers: Orphanet 970, MedGen C2752089, MONDO:0024309, OMIM 201300.

Allele frequency attached by ClinVar (database versions not stated): gnomAD exomes below 0.00001; ExAC 0.00001; TOPMed 0.00001.
gnomAD v4.1: 1 of 1,610,672 alleles (0.000062%); highest among the groups gnomAD compares: East Asian, 0.0022%; no homozygotes.

Submission:

Labcorp Genetics (formerly Invitae), Labcorp
Classification: Uncertain significance for Neuropathy, hereditary sensory and autonomic, type 2A; Generalized epilepsy with febrile seizures plus, type 7. Last evaluated: 2023-07-17. Review status: criteria provided, single submitter. Criteria: Invitae Variant Classification Sherloc (09022015). Collection method: clinical testing. Allele origin: germline.
Comment: In summary, the available evidence is currently insufficient to determine the role of this variant in disease. Therefore, it has been classified as a Variant of Uncertain Significance. Advanced modeling of protein sequence and biophysical properties (such as structural, functional, and spatial information, amino acid conservation, physicochemical variation, residue mobility, and thermodynamic stability) performed at Invitae indicates that this missense variant is not expected to disrupt SCN9A protein function. ClinVar contains an entry for this variant (Variation ID: 954056). This variant has not been reported in the literature in individuals affected with SCN9A-related conditions. The frequency data for this variant in the population databases is considered unreliable, as metrics indicate poor data quality at this position in the gnomAD database. This sequence change replaces leucine, which is neutral and non-polar, with proline, which is neutral and non-polar, at codon 468 of the SCN9A protein (p.Leu468Pro).

NM_001365536.1(SCN9A):c.1403T>C (p.Leu468Pro)

Genes: SCN9A (sodium voltage-gated channel alpha subunit 9; minus strand), SCN1A-AS1 (SCN1A and SCN9A antisense RNA 1; plus strand). Cytogenetic location: 2q24.3.
Variant type: single nucleotide variant.
Coding change: c.1403T>C on transcript NM_001365536.1 (MANE Select); coding-DNA position 1403, T replaced by C.
Protein change: p.Leu468Pro; replaces leucine 468 with proline.
Molecular consequence: missense variant.
Genome position (GRCh38, 1-based): chr2:166,286,535, A>G on the plus strand (T>C on the coding strand, the complement: SCN9A is on the minus strand). VCF-style: chr2-166286535-A-G. GRCh37 (hg19) VCF-style: chr2-167143045-A-G.
Other names: c.1403T>C, p.Leu468Pro (NM_002977.4); short protein forms L468P.
Identifiers: ClinVar variation 954056 (VCV000954056.10), dbSNP rs762881019, ClinGen allele CA1944515.